The following is an entry in ClinVar:

NM_024675.4(PALB2):c.3180T>A (p.Cys1060Ter)

Gene: PALB2 (partner and localizer of BRCA2; minus strand). Cytogenetic location: 16p12.2.
Variant type: single nucleotide variant.
Coding change: c.3180T>A on transcript NM_024675.4 (MANE Select); coding-DNA position 3180, T replaced by A.
Protein change: p.Cys1060Ter; replaces cysteine 1060 with a stop codon.
Molecular consequence: nonsense.
Genome position (GRCh38, 1-based): chr16:23,614,025, A>T on the plus strand (T>A on the coding strand, the complement: PALB2 is on the minus strand). VCF-style: chr16-23614025-A-T. GRCh37 (hg19) VCF-style: chr16-23625346-A-T.
Other names: short protein forms C1060*.
Identifiers: ClinVar variation 1453938 (VCV001453938.8), dbSNP rs2142298948, ClinGen allele CA395141184.

ClinVar aggregate classification (germline): Pathogenic/Likely pathogenic. Review status: criteria provided, multiple submitters, no conflicts (2 of 4 stars). 3 submissions from 3 submitters: Pathogenic (2); Likely pathogenic (1). Last evaluated 2025-03-02.

Conditions:
Familial cancer of breast. Also called: Hereditary breast cancer; hereditary breast carcinoma; BREAST CANCER, FAMILIAL. Identifiers: Orphanet 227535, MedGen C0346153, MONDO:0016419, OMIM 114480. Disease mechanism: loss of function.

Allele frequency attached by ClinVar (database versions not stated): gnomAD exomes below 0.00001.
gnomAD v4.1: 2 of 1,613,398 alleles (0.00012%); highest among the groups gnomAD compares: African/African-American, 0.0027%; no homozygotes.

Submissions (3):

Labcorp Genetics (formerly Invitae), Labcorp
Classification: Pathogenic for Familial cancer of breast. Last evaluated: 2025-03-02. Review status: criteria provided, single submitter. Criteria: Invitae Variant Classification Sherloc (09022015). Collection method: clinical testing. Allele origin: germline.
Comment: This sequence change creates a premature translational stop signal (p.Cys1060*) in the PALB2 gene. It is expected to result in an absent or disrupted protein product. Loss-of-function variants in PALB2 are known to be pathogenic (PMID: 17200668, 17200671, 17200672, 24136930, 25099575). This variant is not present in population databases (gnomAD no frequency). This variant has not been reported in the literature in individuals affected with PALB2-related conditions. ClinVar contains an entry for this variant (Variation ID: 1453938). For these reasons, this variant has been classified as Pathogenic.

Myriad Genetics, Inc.
Classification: Pathogenic for Familial cancer of breast. Last evaluated: 2023-09-14. Review status: criteria provided, single submitter. Criteria: Myriad Autosomal Dominant, Autosomal Recessive and X-Linked Classification Criteria (2023). Collection method: clinical testing. Allele origin: unknown.
Comment: This variant is considered pathogenic. This variant creates a termination codon and is predicted to result in premature protein truncation.

Baylor Genetics
Classification: Likely pathogenic for Familial cancer of breast. Last evaluated: 2021-07-08. Review status: criteria provided, single submitter. Criteria: ACMG Guidelines, 2015. Collection method: clinical testing. Allele origin: unknown.

Literature cited by the submitters: PubMed 17200668 (cited by Labcorp Genetics (formerly Invitae), Labcorp); PubMed 17200671 (cited by Labcorp Genetics (formerly Invitae), Labcorp); PubMed 17200672 (cited by Labcorp Genetics (formerly Invitae), Labcorp); PubMed 24136930 (cited by Labcorp Genetics (formerly Invitae), Labcorp); PubMed 25099575 (cited by Labcorp Genetics (formerly Invitae), Labcorp).